The following is an entry in ClinVar:

ClinVar aggregate classification (germline): Uncertain significance (1 of 4 stars; one submission).

Conditions:
Cardiomyopathy (CMYO). Also called: Cardiomyopathies. Identifiers: Orphanet 167848, MedGen C0878544, MONDO:0004994, HP:0001638. Inheritance: Various modes of inheritance.

Allele frequency attached by ClinVar (database versions not stated): gnomAD exomes below 0.00001.

Submission:

Color Diagnostics, LLC DBA Color Health
Classification: Uncertain significance for Cardiomyopathy. Last evaluated: 2024-03-06. Review status: criteria provided, single submitter. Criteria: ACMG Guidelines, 2015. Collection method: clinical testing. Allele origin: germline.
Comment: This missense variant replaces arginine with lysine at codon 1186 of the DSP protein. Computational prediction suggests that this variant may not impact protein structure and function (internally defined REVEL score threshold <= 0.5, PMID: 27666373). To our knowledge, functional studies have not been reported for this variant. This variant has not been reported in individuals affected with cardiovascular disorders in the literature. This variant has been identified in 1/250358 chromosomes in the general population by the Genome Aggregation Database (gnomAD). The available evidence is insufficient to determine the role of this variant in disease conclusively. Therefore, this variant is classified as a Variant of Uncertain Significance.

NM_004415.4(DSP):c.3557G>A (p.Arg1186Lys)

Gene: DSP (desmoplakin; plus strand). Cytogenetic location: 6p24.3.
Variant type: single nucleotide variant.
Coding change: c.3557G>A on transcript NM_004415.4 (MANE Select); coding-DNA position 3557, G replaced by A.
Protein change: p.Arg1186Lys; replaces arginine 1186 with lysine.
Molecular consequence: missense variant.
Genome position (GRCh38, 1-based): chr6:7,579,747, G>A. VCF-style: chr6-7579747-G-A. GRCh37 (hg19) VCF-style: chr6-7579980-G-A.
Other names: c.3557G>A, p.Arg1186Lys (NM_001008844.3, NM_001319034.2); short protein forms R1186K.
Identifiers: ClinVar variation 1170997 (VCV001170997.3), dbSNP rs1223608451, ClinGen allele CA362684329.